The following is an entry in ClinVar:

ClinVar aggregate classification (germline): Uncertain significance (1 of 4 stars; one submission).

Allele frequency attached by ClinVar (database versions not stated): gnomAD exomes 0.00001.
gnomAD v4.1: 7 of 1,589,720 alleles (0.00044%); highest among the groups gnomAD compares: Admixed American, 0.0018%; no homozygotes.

Submission:

Labcorp Genetics (formerly Invitae), Labcorp
Classification: Uncertain significance. Last evaluated: 2022-08-01. Review status: criteria provided, single submitter. Criteria: Invitae Variant Classification Sherloc (09022015). Collection method: clinical testing. Allele origin: germline.
Comment: Algorithms developed to predict the effect of missense changes on protein structure and function are either unavailable or do not agree on the potential impact of this missense change (SIFT: "Deleterious"; PolyPhen-2: "Probably Damaging"; Align-GVGD: "Class C0"). This variant has not been reported in the literature in individuals affected with DOCK6-related conditions. This variant is not present in population databases (gnomAD no frequency). This sequence change replaces leucine, which is neutral and non-polar, with proline, which is neutral and non-polar, at codon 772 of the DOCK6 protein (p.Leu772Pro). In summary, the available evidence is currently insufficient to determine the role of this variant in disease. Therefore, it has been classified as a Variant of Uncertain Significance.

NM_020812.4(DOCK6):c.2315T>C (p.Leu772Pro)

Gene: DOCK6 (dedicator of cytokinesis 6; minus strand). Cytogenetic location: 19p13.2.
Variant type: single nucleotide variant.
Coding change: c.2315T>C on transcript NM_020812.4 (MANE Select); coding-DNA position 2315, T replaced by C.
Protein change: p.Leu772Pro; replaces leucine 772 with proline.
Molecular consequence: missense variant.
Genome position (GRCh38, 1-based): chr19:11,236,423, A>G on the plus strand (T>C on the coding strand, the complement: DOCK6 is on the minus strand). VCF-style: chr19-11236423-A-G. GRCh37 (hg19) VCF-style: chr19-11347099-A-G.
Other names: c.2315T>C, p.Leu772Pro (NM_001367830.1); short protein forms L772P.
Identifiers: ClinVar variation 1946661 (VCV001946661.3), dbSNP rs1199882913, ClinGen allele CA404097593.
Genomic context (GRCh38, chr19:11,236,423, plus strand): 5'-ATCGGGGGCCTGATGACCAGACGCACGAGCTTGTCCAGCACGTGGTGGGAGAAGGCCACA[A>G]GGGGTTCGGGGCTGGCCAGGCGCAGTGCTGCAAGACTGGCCCGCAGCTCCTGCTCCACGT-3'
Protein context (NP_065863.2, residues 762-782): AALRLASPEP[Leu772Pro]VAFSHHVLDK